The following is an entry in ClinVar:

NM_004928.3(CFAP410):c.116T>G (p.Met39Arg)

Gene: CFAP410 (cilia and flagella associated protein 410; minus strand). Cytogenetic location: 21q22.3.
Variant type: single nucleotide variant.
Coding change: c.116T>G on transcript NM_004928.3 (MANE Select); coding-DNA position 116, T replaced by G.
Protein change: p.Met39Arg; replaces methionine 39 with arginine.
Molecular consequence: missense variant. On other transcripts: initiator codon variant (1).
Genome position (GRCh38, 1-based): chr21:44,335,785, A>C on the plus strand (T>G on the coding strand, the complement: CFAP410 is on the minus strand). VCF-style: chr21-44335785-A-C. GRCh37 (hg19) VCF-style: chr21-45755668-A-C.
Other names: c.116T>G, p.Met39Arg (NM_001271440.2, NM_001271441.2); c.2T>G, p.Met1Arg (NM_001271442.1); short protein forms M39R, M1R.
Identifiers: ClinVar variation 3685871 (VCV003685871.2).
Genomic context (GRCh38, chr21:44,335,785, plus strand): 5'-CCCAGGCTGAGCATGACAGCAGGAGCGAGGTACCTGAGCGTGATCACCTCCAGGCTGGGC[A>C]TCTCCTGGCAAATGGAGATCTAGGAGGAAAAGAACATGACTAGCAAGCATGGCACAGCAG-3'
Protein context (NP_004919.1, residues 29-49): RLTDISICQE[Met39Arg]PSLEVITLSV

ClinVar aggregate classification (germline): Uncertain significance (1 of 4 stars; one submission).

gnomAD v4.1: 1 of 1,593,104 alleles (0.000063%); highest among the groups gnomAD compares: East Asian, 0.0023%; no homozygotes.

Submission:

Labcorp Genetics (formerly Invitae), Labcorp
Classification: Uncertain significance. Last evaluated: 2024-02-20. Review status: criteria provided, single submitter. Criteria: Invitae Variant Classification Sherloc (09022015). Collection method: clinical testing. Allele origin: germline.
Comment: This sequence change replaces methionine, which is neutral and non-polar, with arginine, which is basic and polar, at codon 39 of the CFAP410 protein (p.Met39Arg). This variant is not present in population databases (gnomAD no frequency). This variant has not been reported in the literature in individuals affected with CFAP410-related conditions. Advanced modeling of protein sequence and biophysical properties (such as structural, functional, and spatial information, amino acid conservation, physicochemical variation, residue mobility, and thermodynamic stability) has been performed at Invitae for this missense variant, however the output from this modeling did not meet the statistical confidence thresholds required to predict the impact of this variant on CFAP410 protein function. In summary, the available evidence is currently insufficient to determine the role of this variant in disease. Therefore, it has been classified as a Variant of Uncertain Significance.